The following is an entry in ClinVar:

NM_014314.4(RIGI):c.1477C>T (p.Leu493Phe)

Gene: RIGI (RNA sensor RIG-I; minus strand). Cytogenetic location: 9p21.1.
Variant type: single nucleotide variant.
Coding change: c.1477C>T on transcript NM_014314.4 (MANE Select); coding-DNA position 1477, C replaced by T.
Protein change: p.Leu493Phe; replaces leucine 493 with phenylalanine.
Molecular consequence: missense variant.
Genome position (GRCh38, 1-based): chr9:32,485,178, G>A on the plus strand (C>T on the coding strand, the complement: RIGI is on the minus strand). VCF-style: chr9-32485178-G-A. GRCh37 (hg19) VCF-style: chr9-32485176-G-A.
Other names: c.1471C>T, p.Leu491Phe (NM_001385907.1); c.1477C>T, p.Leu493Phe (NM_001385909.1); c.1036C>T, p.Leu346Phe (NM_001385910.1); c.868C>T, p.Leu290Phe (NM_001385912.1); c.1462C>T, p.Leu488Phe (NM_001385913.1); c.1033C>T, p.Leu345Phe (NM_001385914.1); short protein forms L493F, L346F, L491F, L290F, L345F, L488F.
Identifiers: ClinVar variation 2791038 (VCV002791038.3), dbSNP rs149324503, ClinGen allele CA5019796.

ClinVar aggregate classification (germline): Uncertain significance (1 of 4 stars; one submission).

Allele frequency attached by ClinVar (database versions not stated): gnomAD 0.00001; ExAC 0.00002; gnomAD exomes 0.00002; TOPMed 0.00002; ESP Exome Variant Server 0.00008.
gnomAD v4.1: 29 of 1,595,484 alleles (0.0018%); highest among the groups gnomAD compares: Non-Finnish European, 0.0024%; no homozygotes.

Submission:

Labcorp Genetics (formerly Invitae), Labcorp
Classification: Uncertain significance. Last evaluated: 2024-07-01. Review status: criteria provided, single submitter. Criteria: Invitae Variant Classification Sherloc (09022015). Collection method: clinical testing. Allele origin: germline.
Comment: This sequence change replaces leucine, which is neutral and non-polar, with phenylalanine, which is neutral and non-polar, at codon 493 of the DDX58 protein (p.Leu493Phe). This variant is present in population databases (rs149324503, gnomAD 0.007%). This variant has not been reported in the literature in individuals affected with DDX58-related conditions. Algorithms developed to predict the effect of missense changes on protein structure and function output the following: SIFT: "Not Available"; PolyPhen-2: "Benign"; Align-GVGD: "Not Available". The phenylalanine amino acid residue is found in multiple mammalian species, which suggests that this missense change does not adversely affect protein function. In summary, the available evidence is currently insufficient to determine the role of this variant in disease. Therefore, it has been classified as a Variant of Uncertain Significance.